The following is an entry in ClinVar:

NM_003998.4(NFKB1):c.1954G>A (p.Gly652Ser)

Gene: NFKB1 (nuclear factor kappa B subunit 1; plus strand). Cytogenetic location: 4q24.
Variant type: single nucleotide variant.
Coding change: c.1954G>A on transcript NM_003998.4 (MANE Select); coding-DNA position 1954, G replaced by A.
Protein change: p.Gly652Ser; replaces glycine 652 with serine.
Molecular consequence: missense variant.
Genome position (GRCh38, 1-based): chr4:102,606,697, G>A. VCF-style: chr4-102606697-G-A. GRCh37 (hg19) VCF-style: chr4-103527854-G-A.
Other names: c.1954G>A (NM_003998.3); c.1951G>A, p.Gly651Ser (NM_001382627.1, NM_001165412.2, NM_001319226.2); c.1912G>A, p.Gly638Ser (NM_001382628.1); c.1954G>A, p.Gly652Ser (NM_001382625.1, NM_001382626.1); short protein forms G638S, G651S, G652S.
Identifiers: ClinVar variation 3690914 (VCV003690914.3).

ClinVar aggregate classification (germline): Conflicting classifications of pathogenicity. Review status: criteria provided, conflicting classifications (1 of 4 stars). 2 submissions from 2 submitters: Likely pathogenic (1); Uncertain significance (1). Last evaluated 2026-03-17.

Conditions:
Inborn genetic diseases. Identifiers: MedGen C0950123, MeSH D030342.

gnomAD v4.1: 5 of 1,612,828 alleles (0.00031%); highest among the groups gnomAD compares: Admixed American, 0.0067%; no homozygotes.

Submissions (2):

Ambry Genetics
Classification: Likely pathogenic for Inborn genetic diseases. Last evaluated: 2026-03-17. Review status: criteria provided, single submitter. Criteria: Ambry Variant Classification Scheme 2023. Collection method: clinical testing. Allele origin: germline.
Comment: The c.1954G>A (p.G652S) alteration is located in exon 17 (coding exon 16) of the NFKB1 gene. This alteration results from a G to A substitution at nucleotide position 1954, causing the glycine (G) at amino acid position 652 to be replaced by a serine (S). This change occurs at the last base pair of exon 17 (coding exon16), which makes it likely to have some effect on normal mRNA splicing. This variant was not reported in population-based cohorts in the Genome Aggregation Database (gnomAD). This nucleotide position is highly conserved in available vertebrate species. This amino acid position is highly conserved in available vertebrate species. This amino acid alteration is predicted to be deleterious by in silico analysis. In silico splice site analysis predicts that this nucleotide alteration will weaken the native splice donor site. Based on the available evidence, this alteration is classified as likely pathogenic.

Labcorp Genetics (formerly Invitae), Labcorp
Classification: Uncertain significance. Last evaluated: 2025-01-11. Review status: criteria provided, single submitter. Criteria: Invitae Variant Classification Sherloc (09022015). Collection method: clinical testing. Allele origin: germline.
Comment: This sequence change replaces glycine, which is neutral and non-polar, with serine, which is neutral and polar, at codon 652 of the NFKB1 protein (p.Gly652Ser). This variant also falls at the last nucleotide of exon 17, which is part of the consensus splice site for this exon. This variant is not present in population databases (gnomAD no frequency). This variant has not been reported in the literature in individuals affected with NFKB1-related conditions. An algorithm developed to predict the effect of missense changes on protein structure and function (PolyPhen-2) suggests that this variant is likely to be disruptive. Variants that disrupt the consensus splice site are a relatively common cause of aberrant splicing (PMID: 17576681, 9536098). Algorithms developed to predict the effect of sequence changes on RNA splicing suggest that this variant may disrupt the consensus splice site. In summary, the available evidence is currently insufficient to determine the role of this variant in disease. Therefore, it has been classified as a Variant of Uncertain Significance.

Literature cited by the submitters: PubMed 17576681 (cited by Labcorp Genetics (formerly Invitae), Labcorp); PubMed 9536098 (cited by Labcorp Genetics (formerly Invitae), Labcorp).